The following is an entry in ClinVar:

ClinVar aggregate classification (germline): Pathogenic/Likely pathogenic. Review status: criteria provided, multiple submitters, no conflicts (2 of 4 stars). 5 submissions from 5 submitters: Pathogenic (3); Likely pathogenic (2). Last evaluated 2026-06-29.

Conditions:
Epilepsy. Also called: Seizure disorder. Identifiers: MedGen C0014544, MeSH D004827, MONDO:0005027.
Ceroid lipofuscinosis, neuronal, 6A. Also called: Neuronal ceroid lipofuscinosis, Gypsy/Indian early juvenile variant; Neuronal ceroid lipofuscinosis 6; CLN6-Related Neuronal Ceroid-Lipofuscinosis; Neuronal ceroid lipofuscinosis, late infantile, variant. Identifiers: Orphanet 168491, Orphanet 228363, MedGen C5551375, MONDO:0011144, OMIM 601780.
Ceroid lipofuscinosis, neuronal, 6B (Kufs type). Also called: Neuronal ceroid lipofuscinosis 4A. Identifiers: Orphanet 700477, MedGen C5561927, MONDO:0008768, OMIM 204300.
Neuronal ceroid lipofuscinosis. Also called: Neuronal Ceroid Lipofuscinoses. Identifiers: Orphanet 216, Orphanet 79263, MedGen C0027877, MONDO:0016295. Disease mechanism: loss of function.

gnomAD v4.1: 15 of 1,613,640 alleles (0.00093%); highest among the groups gnomAD compares: Non-Finnish European, 0.0013%; no homozygotes.

Submissions (5):

Cytogénomique, Hospices Civils de Lyon
Classification: Pathogenic for Epilepsy. Last evaluated: 2026-06-29. Review status: criteria provided, single submitter. Criteria: ACMG Guidelines, 2015. Collection method: clinical testing. Allele origin: germline. Affected: yes.

Labcorp Genetics (formerly Invitae), Labcorp
Classification: Likely pathogenic for Neuronal ceroid lipofuscinosis. Last evaluated: 2025-06-16. Review status: criteria provided, single submitter. Criteria: Invitae Variant Classification Sherloc (09022015). Collection method: clinical testing. Allele origin: germline.
Comment: This sequence change replaces proline, which is neutral and non-polar, with leucine, which is neutral and non-polar, at codon 159 of the CLN6 protein (p.Pro159Leu). This variant is not present in population databases (gnomAD no frequency). This missense change has been observed in individuals with clinical features of neuronal ceroid lipofuscinosis (PMID: 19201763, 34849271, 37074398). ClinVar contains an entry for this variant (Variation ID: 522639). Invitae Evidence Modeling of protein sequence and biophysical properties (such as structural, functional, and spatial information, amino acid conservation, physicochemical variation, residue mobility, and thermodynamic stability) indicates that this missense variant is not expected to disrupt CLN6 protein function with a negative predictive value of 80%. In summary, the currently available evidence indicates that the variant is pathogenic, but additional data are needed to prove that conclusively. Therefore, this variant has been classified as Likely Pathogenic.

Mendelics
Classification: Pathogenic for Ceroid lipofuscinosis, neuronal, 6B (Kufs type). Last evaluated: 2022-05-04. Review status: criteria provided, single submitter. Criteria: Mendelics Assertion Criteria 2019. Collection method: clinical testing. Allele origin: germline.

Genomic Research Center, Shahid Beheshti University of Medical Sciences
Classification: Likely pathogenic for Ceroid lipofuscinosis, neuronal, 6A. Last evaluated: 2017-12-03. Review status: criteria provided, single submitter. Criteria: ACMG Guidelines, 2015. Collection method: clinical testing. Allele origin: inherited. Affected: yes.

CeGaT Center for Human Genetics Tuebingen
Classification: Pathogenic. Last evaluated: 2017-03-01. Review status: criteria provided, single submitter. Criteria: CeGaT Center For Human Genetics Tuebingen Variant Classification Criteria Version 2. Collection method: clinical testing. Allele origin: germline. Affected: yes. Observed: 1 variant allele.

Literature cited by the submitters: PubMed 19201763 (cited by Labcorp Genetics (formerly Invitae), Labcorp); PubMed 34849271 (cited by Labcorp Genetics (formerly Invitae), Labcorp); PubMed 37074398 (cited by Labcorp Genetics (formerly Invitae), Labcorp).

NM_017882.3(CLN6):c.476C>T (p.Pro159Leu)

Gene: CLN6 (CLN6 transmembrane ER protein; minus strand). Cytogenetic location: 15q23.
Variant type: single nucleotide variant.
Coding change: c.476C>T on transcript NM_017882.3 (MANE Select); coding-DNA position 476, C replaced by T.
Protein change: p.Pro159Leu; replaces proline 159 with leucine.
Molecular consequence: missense variant.
Genome position (GRCh38, 1-based): chr15:68,211,685, G>A on the plus strand (C>T on the coding strand, the complement: CLN6 is on the minus strand). VCF-style: chr15-68211685-G-A. GRCh37 (hg19) VCF-style: chr15-68504023-G-A.
Other names: short protein forms P159L.
Identifiers: ClinVar variation 522639 (VCV000522639.52), dbSNP rs919850756, ClinGen allele CA501025.
Genomic context (GRCh38, chr15:68,211,685, plus strand): 5'-ACAGACTGTGCTCCTAGGGCTTACAGGCAGGGAGCAGGAGGTGGCCTCACCAGCGTCTCC[G>A]GCTTGAGATTCTTGATGATGGGGTTCTCACGGACAGACAGGTGGTGCTGGTAGCCACTGA-3'
Protein context (NP_060352.1, residues 149-169): RENPIIKNLK[Pro159Leu]ETLIDSFELL